The following is an entry in ClinVar:

ClinVar aggregate classification (germline): Uncertain significance. Review status: criteria provided, multiple submitters, no conflicts (2 of 4 stars). 2 submissions from 2 submitters: Uncertain significance (2). Last evaluated 2025-02-10.

Conditions:
Familial cancer of breast. Also called: BREAST CANCER, FAMILIAL; Hereditary breast cancer; hereditary breast carcinoma. Identifiers: Orphanet 227535, MedGen C0346153, MONDO:0016419, OMIM 114480. Disease mechanism: loss of function.
Hereditary cancer-predisposing syndrome. Also called: Neoplastic Syndromes, Hereditary; Tumor predisposition; Hereditary Cancer Syndrome; Hereditary neoplastic syndrome. Identifiers: Orphanet 140162, MedGen C0027672, MeSH D009386, MONDO:0015356.

Submissions (2):

Labcorp Genetics (formerly Invitae), Labcorp
Classification: Uncertain significance for Familial cancer of breast. Last evaluated: 2025-02-10. Review status: criteria provided, single submitter. Criteria: Invitae Variant Classification Sherloc (09022015). Collection method: clinical testing. Allele origin: germline.
Comment: This sequence change replaces valine, which is neutral and non-polar, with leucine, which is neutral and non-polar, at codon 456 of the BARD1 protein (p.Val456Leu). This variant is not present in population databases (gnomAD no frequency). This variant has not been reported in the literature in individuals affected with BARD1-related conditions. ClinVar contains an entry for this variant (Variation ID: 482779). An algorithm developed to predict the effect of missense changes on protein structure and function (PolyPhen-2) suggests that this variant is likely to be tolerated. In summary, the available evidence is currently insufficient to determine the role of this variant in disease. Therefore, it has been classified as a Variant of Uncertain Significance.

Ambry Genetics
Classification: Uncertain significance for Hereditary cancer-predisposing syndrome. Last evaluated: 2016-03-09. Review status: criteria provided, single submitter. Criteria: Ambry Variant Classification Scheme 2023. Collection method: clinical testing. Allele origin: germline.
Comment: The p.V456L variant (also known as c.1366G>C), located in coding exon 5 of the BARD1 gene, results from a G to C substitution at nucleotide position 1366. The valine at codon 456 is replaced by leucine, an amino acid with highly similar properties. This variant was not reported in population based cohorts in the following databases: Database of Single Nucleotide Polymorphisms (dbSNP), NHLBI Exome Sequencing Project (ESP), and 1000 Genomes Project. In the ESP, this variant was not observed in 6503 samples (13006 alleles) with coverage at this position. To date, this alteration has been detected with an allele frequency of approximately 0.001% (greater than 120000 alleles tested) in our clinical cohort. This amino acid position is well conserved in available vertebrate species. In addition, this alteration is predicted to be tolerated by in silico analysis. Since supporting evidence is limited at this time, the clinical significance of this alteration remains unclear.

NM_000465.4(BARD1):c.1366G>C (p.Val456Leu)

Gene: BARD1 (BRCA1 associated RING domain 1; minus strand). Cytogenetic location: 2q35.
Variant type: single nucleotide variant.
Coding change: c.1366G>C on transcript NM_000465.4 (MANE Select); coding-DNA position 1366, G replaced by C.
Protein change: p.Val456Leu; replaces valine 456 with leucine.
Molecular consequence: missense variant. On other transcripts: non-coding transcript variant (3), intron variant (3).
Genome position (GRCh38, 1-based): chr2:214,769,261, C>G on the plus strand (G>C on the coding strand, the complement: BARD1 is on the minus strand). VCF-style: chr2-214769261-C-G. GRCh37 (hg19) VCF-style: chr2-215633985-C-G.
Other names: c.1309G>C, p.Val437Leu (NM_001282543.2); c.159-16706G>C (NM_001282548.2); c.216-16706G>C (NM_001282545.2); c.364+23036G>C (NM_001282549.2); short protein forms V456L, V437L.
Identifiers: ClinVar variation 482779 (VCV000482779.6), dbSNP rs1553619705, ClinGen allele CA350450253.
Genomic context (GRCh38, chr2:214,769,261, plus strand): 5'-GAAAGAATGAGAATAAAAACCAGACAACTACCAATGGTGTCCATCCAGCATGGTCTTTAA[C>G]ATTTGGATCACTTCCATTTTGTAAAAGGTATTCAACAGAAGGTATGTCGCCCTAGAAAAA-3'
Protein context (NP_000456.2, residues 446-466): YLLQNGSDPN[Val456Leu]KDHAGWTPLH